The following is an entry in ClinVar:

NM_002156.5(HSPD1):c.445G>C (p.Asp149His)

Gene: HSPD1 (heat shock protein family D (Hsp60) member 1; minus strand). Cytogenetic location: 2q33.1.
Variant type: single nucleotide variant.
Coding change: c.445G>C on transcript NM_002156.5 (MANE Select); coding-DNA position 445, G replaced by C.
Protein change: p.Asp149His; replaces aspartic acid 149 with histidine.
Molecular consequence: missense variant.
Genome position (GRCh38, 1-based): chr2:197,495,359, C>G on the plus strand (G>C on the coding strand, the complement: HSPD1 is on the minus strand). VCF-style: chr2-197495359-C-G. GRCh37 (hg19) VCF-style: chr2-198360083-C-G.
Other names: c.445G>C, p.Asp149His (NM_199440.2); short protein forms D149H.
Identifiers: ClinVar variation 1440407 (VCV001440407.7), dbSNP rs781225976, ClinGen allele CA2043605.

ClinVar aggregate classification (germline): Uncertain significance. Review status: criteria provided, multiple submitters, no conflicts (2 of 4 stars). 2 submissions from 2 submitters: Uncertain significance (2). Last evaluated 2024-11-18.

Conditions:
Hereditary spastic paraplegia 13 (SPG13). Also called: Spastic paraplegia 13; SPASTIC PARAPLEGIA 13, AUTOSOMAL DOMINANT. Identifiers: Orphanet 100994, MedGen C1854467, MONDO:0011532, OMIM 605280.
Leukodystrophy, hypomyelinating, 4. Also called: MITCHAP60 DISEASE; MITOCHONDRIAL HSP60 CHAPERONOPATHY. Identifiers: Orphanet 280270, Orphanet 280288, MedGen C2677109, MONDO:0012824, OMIM 612233.
Spastic paraplegia. Identifiers: MedGen C0037772, HP:0001258.

Allele frequency attached by ClinVar (database versions not stated): gnomAD exomes below 0.00001; ExAC 0.00001.
gnomAD v4.1: 1 of 1,605,470 alleles (0.000062%); no homozygotes.

Submissions (2):

Labcorp Genetics (formerly Invitae), Labcorp
Classification: Uncertain significance for Spastic paraplegia. Last evaluated: 2024-11-18. Review status: criteria provided, single submitter. Criteria: Invitae Variant Classification Sherloc (09022015). Collection method: clinical testing. Allele origin: germline.
Comment: This sequence change replaces aspartic acid, which is acidic and polar, with histidine, which is basic and polar, at codon 149 of the HSPD1 protein (p.Asp149His). This variant is present in population databases (rs781225976, gnomAD 0.0009%). This variant has not been reported in the literature in individuals affected with HSPD1-related conditions. ClinVar contains an entry for this variant (Variation ID: 1440407). Invitae Evidence Modeling of protein sequence and biophysical properties (such as structural, functional, and spatial information, amino acid conservation, physicochemical variation, residue mobility, and thermodynamic stability) indicates that this missense variant is not expected to disrupt HSPD1 protein function with a negative predictive value of 80%. In summary, the available evidence is currently insufficient to determine the role of this variant in disease. Therefore, it has been classified as a Variant of Uncertain Significance.

Fulgent Genetics
Classification: Uncertain significance for Hereditary spastic paraplegia 13; Leukodystrophy, hypomyelinating, 4. Last evaluated: 2022-05-16. Review status: criteria provided, single submitter. Criteria: ACMG Guidelines, 2015. Collection method: clinical testing. Allele origin: unknown.